The following is an entry in ClinVar:

ClinVar aggregate classification (germline): Uncertain significance. Review status: criteria provided, multiple submitters, no conflicts (2 of 4 stars). 5 submissions from 5 submitters: Uncertain significance (5). Last evaluated 2025-05-25.

Conditions:
Multiple epiphyseal dysplasia type 5 (EDM5). Also called: MATN3-Related Multiple Epiphyseal Dysplasia; Microepiphyseal dysplasia, bilateral hereditary. Identifiers: Orphanet 93311, MedGen C1846843, MONDO:0011765, OMIM 607078.

Allele frequency attached by ClinVar (database versions not stated): gnomAD 0.00011 and 0.00012; TOPMed 0.00011; ExAC 0.00013; gnomAD exomes 0.00015 and 0.00031; ESP Exome Variant Server 0.00016; 1000 Genomes Project 0.00020; 1000 Genomes Project 30x 0.00031.
gnomAD v4.1: 454 of 1,613,960 alleles (0.028%); highest among the groups gnomAD compares: Non-Finnish European, 0.038%; no homozygotes.

Submissions (5):

Labcorp Genetics (formerly Invitae), Labcorp
Classification: Uncertain significance. Last evaluated: 2025-05-25. Review status: criteria provided, single submitter. Criteria: Invitae Variant Classification Sherloc (09022015). Collection method: clinical testing. Allele origin: germline.
Comment: This sequence change replaces valine, which is neutral and non-polar, with isoleucine, which is neutral and non-polar, at codon 278 of the MATN3 protein (p.Val278Ile). This variant is present in population databases (rs149976914, gnomAD 0.03%). This variant has not been reported in the literature in individuals affected with MATN3-related conditions. ClinVar contains an entry for this variant (Variation ID: 499445). Invitae Evidence Modeling of protein sequence and biophysical properties (such as structural, functional, and spatial information, amino acid conservation, physicochemical variation, residue mobility, and thermodynamic stability) indicates that this missense variant is not expected to disrupt MATN3 protein function with a negative predictive value of 80%. In summary, the available evidence is currently insufficient to determine the role of this variant in disease. Therefore, it has been classified as a Variant of Uncertain Significance.

Blueprint Genetics
Classification: Uncertain significance. Last evaluated: 2024-10-17. Review status: criteria provided, single submitter. Criteria: ACMG Guidelines, 2015. Collection method: clinical testing. Allele origin: germline.

Illumina Laboratory Services, Illumina
Classification: Uncertain significance for Multiple epiphyseal dysplasia type 5. Last evaluated: 2018-01-13. Review status: criteria provided, single submitter. Criteria: ICSL Variant Classification Criteria 13 December 2019. Collection method: clinical testing. Allele origin: germline.

Eurofins Ntd Llc (ga)
Classification: Uncertain significance. Last evaluated: 2017-01-26. Review status: criteria provided, single submitter. Criteria: EGL Classification Definitions 2015. Collection method: clinical testing. Allele origin: germline. Observed: 1 variant allele, 1 heterozygote.

Breakthrough Genomics
Classification: Uncertain significance. Review status: criteria provided, single submitter. Criteria: ACMG Guidelines, 2015. Collection method: not provided. Allele origin: germline. Inheritance: Autosomal recessive inheritance. Affected: yes.

NM_002381.5(MATN3):c.832G>A (p.Val278Ile)

Genes: MATN3 (matrilin 3; minus strand), WDR35-DT (WDR35 divergent transcript; plus strand). Cytogenetic location: 2p24.1.
Variant type: single nucleotide variant.
Coding change: c.832G>A on transcript NM_002381.5 (MANE Select); coding-DNA position 832, G replaced by A.
Protein change: p.Val278Ile; replaces valine 278 with isoleucine.
Molecular consequence: missense variant.
Genome position (GRCh38, 1-based): chr2:20,003,245, C>T on the plus strand (G>A on the coding strand, the complement: MATN3 is on the minus strand). VCF-style: chr2-20003245-C-T. GRCh37 (hg19) VCF-style: chr2-20203006-C-T.
Other names: short protein forms V278I.
Identifiers: ClinVar variation 499445 (VCV000499445.15), dbSNP rs149976914, ClinGen allele CA1543879.